The following is an entry in ClinVar:

ClinVar aggregate classification (germline): Likely benign. Review status: criteria provided, multiple submitters, no conflicts (2 of 4 stars). 2 submissions from 2 submitters: Likely benign (2). Last evaluated 2025-10-01.

Allele frequency attached by ClinVar (database versions not stated): gnomAD exomes 0.00005 and 0.00013; ExAC 0.00021; ESP Exome Variant Server 0.00038; TOPMed 0.00044; gnomAD 0.00054 and 0.00058; 1000 Genomes Project 30x 0.00062; 1000 Genomes Project 0.00080.
gnomAD v4.1: 156 of 1,613,816 alleles (0.0097%); highest among the groups gnomAD compares: African/African-American, 0.19%; no homozygotes.

Submissions (2):

CeGaT Center for Human Genetics Tuebingen
Classification: Likely benign. Last evaluated: 2025-10-01. Review status: criteria provided, single submitter. Criteria: CeGaT Center For Human Genetics Tuebingen Variant Classification Criteria Version 2. Collection method: clinical testing. Allele origin: germline. Affected: yes. Observed: 1 variant allele.
Comment: ZNF687: BP4

Labcorp Genetics (formerly Invitae), Labcorp
Classification: Likely benign. Last evaluated: 2024-11-19. Review status: criteria provided, single submitter. Criteria: Invitae Variant Classification Sherloc (09022015). Collection method: clinical testing. Allele origin: germline.

NM_020832.3(ZNF687):c.3077+3A>G

Gene: ZNF687 (zinc finger protein 687; plus strand). Cytogenetic location: 1q21.3.
Variant type: single nucleotide variant.
Coding change: c.3077+3A>G on transcript NM_020832.3 (MANE Select); 3 bases into the intron after coding-DNA position 3077, A replaced by G.
Molecular consequence: intron variant.
Genome position (GRCh38, 1-based): chr1:151,290,237, A>G. VCF-style: chr1-151290237-A-G. GRCh37 (hg19) VCF-style: chr1-151262713-A-G.
Other names: c.3077+3A>G (NM_001304764.2, NM_001304763.2).
Identifiers: ClinVar variation 795079 (VCV000795079.14), dbSNP rs201727550, ClinGen allele CA1088737.
Genomic context (GRCh38, chr1:151,290,237, plus strand): 5'-GCCTGAGGCGCCATGTCAGAGTTAATCACGAGGGCATCAAGCGAGTTTACCCCTGCAGGT[A>G]AGTCTTGCTCCCCGCTTCCTCTTCCTGCCCAGCACGTGACTCTCCCTGTATGCCAAAGTA-3'